The following is an entry in ClinVar:

ClinVar aggregate classification (germline): Uncertain significance (1 of 4 stars; one submission).

gnomAD v4.1: 1 of 1,606,492 alleles (0.000062%); highest among the groups gnomAD compares: East Asian, 0.0022%; no homozygotes.

Submission:

Labcorp Genetics (formerly Invitae), Labcorp
Classification: Uncertain significance. Last evaluated: 2026-01-04. Review status: criteria provided, single submitter. Criteria: Invitae Variant Classification Sherloc (09022015). Collection method: clinical testing. Allele origin: germline.
Comment: This sequence change replaces arginine, which is basic and polar, with serine, which is neutral and polar, at codon 798 of the COL11A1 protein (p.Arg798Ser). This variant is not present in population databases (gnomAD no frequency). This variant has not been reported in the literature in individuals affected with COL11A1-related conditions. ClinVar contains an entry for this variant (Variation ID: 3727225). Experimental studies and prediction algorithms are not available or were not evaluated, and the functional significance of this variant is currently unknown. In summary, the available evidence is currently insufficient to determine the role of this variant in disease. Therefore, it has been classified as a Variant of Uncertain Significance.

NM_001854.4(COL11A1):c.2394A>T (p.Arg798Ser)

Gene: COL11A1 (collagen type XI alpha 1 chain; minus strand). Cytogenetic location: 1p21.1.
Variant type: single nucleotide variant.
Coding change: c.2394A>T on transcript NM_001854.4 (MANE Select); coding-DNA position 2394, A replaced by T.
Protein change: p.Arg798Ser; replaces arginine 798 with serine.
Molecular consequence: missense variant. On other transcripts: non-coding transcript variant (1).
Genome position (GRCh38, 1-based): chr1:102,989,518, T>A on the plus strand (A>T on the coding strand, the complement: COL11A1 is on the minus strand). VCF-style: chr1-102989518-T-A. GRCh37 (hg19) VCF-style: chr1-103455074-T-A.
Other names: c.2277A>T, p.Arg759Ser (NM_001190709.2); c.2430A>T, p.Arg810Ser (NM_080629.3); c.2046A>T, p.Arg682Ser (NM_080630.4); short protein forms R682S, R810S, R759S, R798S.
Identifiers: ClinVar variation 3727225 (VCV003727225.2).